The following is an entry in ClinVar:

NM_001267550.2(TTN):c.31927+1G>T

Gene: TTN (titin; minus strand). Cytogenetic location: 2q31.2.
Variant type: single nucleotide variant.
Coding change: c.31927+1G>T on transcript NM_001267550.2 (MANE Select); the canonical splice donor site of the intron after coding-DNA position 31927, G replaced by T.
Molecular consequence: splice donor variant. On other transcripts: intron variant (3).
Genome position (GRCh38, 1-based): chr2:178,689,514, C>A on the plus strand (G>T on the coding strand, the complement: TTN is on the minus strand). VCF-style: chr2-178689514-C-A. GRCh37 (hg19) VCF-style: chr2-179554241-C-A.
Other names: c.13283-47197G>T (NM_003319.4); c.13859-47197G>T (NM_133437.4); c.13658-47197G>T (NM_133432.3); c.28195+1G>T (NM_133378.4); c.30976+1G>T (NM_001256850.1).
Identifiers: ClinVar variation 448786 (VCV000448786.6), dbSNP rs1553852989, ClinGen allele CA349556230.
Genomic context (GRCh38, chr2:178,689,514, plus strand): 5'-CATGCAATTAAAGAGGCTTGAAGGAAAGACAAGGTTATTTCATGGAGATGGGATTAAGTA[C>A]CTGCTGGTGGTGGAGATTCCTCTCTTTGAGTTACAATGGTTATTTTTTCTTCTGTCACAA-3'

ClinVar aggregate classification (germline): Likely pathogenic. Review status: criteria provided, multiple submitters, no conflicts (2 of 4 stars). 2 submissions from 2 submitters: Likely pathogenic (2). Last evaluated 2024-11-26.

Conditions:
Autosomal recessive limb-girdle muscular dystrophy type 2J (LGMDR10). Also called: Limb-girdle muscular dystrophy, type 2J; MUSCULAR DYSTROPHY, LIMB-GIRDLE, AUTOSOMAL RECESSIVE 10. Identifiers: Orphanet 140922, MedGen C1837342, MONDO:0012127, OMIM 608807.
Dilated cardiomyopathy 1G (CMD1G). Identifiers: Orphanet 154, MedGen C1858763, MONDO:0011400, OMIM 604145.

Submissions (2):

Labcorp Genetics (formerly Invitae), Labcorp
Classification: Likely pathogenic for Dilated cardiomyopathy 1G; Autosomal recessive limb-girdle muscular dystrophy type 2J. Last evaluated: 2024-11-26. Review status: criteria provided, single submitter. Criteria: Invitae Variant Classification Sherloc (09022015). Collection method: clinical testing. Allele origin: germline.
Comment: This sequence change affects a donor splice site in intron 123 of the TTN gene. It is expected to disrupt RNA splicing and likely results in a truncated or disrupted TTN protein. This variant is not present in population databases (gnomAD no frequency). This variant has not been reported in the literature in individuals affected with TTN-related conditions. ClinVar contains an entry for this variant (Variation ID: 448786). Algorithms developed to predict the effect of sequence changes on RNA splicing suggest that this variant may disrupt the consensus splice site. This variant is located in the I band of TTN (PMID: 25589632). Truncating variants in this region have been reported in individuals affected with autosomal recessive centronuclear myopathy (PMID: 23975875, internal data). Truncating variants in this region have also been identified in individuals affected with autosomal dominant dilated cardiomyopathy and/or cardio-related conditions (PMID: 27869827, 32964742, internal data). In summary, the currently available evidence indicates that the variant is pathogenic, but additional data are needed to prove that conclusively. Therefore, this variant has been classified as Likely Pathogenic.

Athena Diagnostics
Classification: Likely pathogenic. Last evaluated: 2016-09-06. Review status: criteria provided, single submitter. Criteria: Athena Diagnostics Criteria. Collection method: clinical testing. Allele origin: germline.

Literature cited by the submitters: PubMed 25589632 (cited by Labcorp Genetics (formerly Invitae), Labcorp); PubMed 23975875 (cited by Labcorp Genetics (formerly Invitae), Labcorp); PubMed 27869827 (cited by Labcorp Genetics (formerly Invitae), Labcorp); PubMed 32964742 (cited by Labcorp Genetics (formerly Invitae), Labcorp).